The following is an entry in ClinVar:

ClinVar aggregate classification (germline): Uncertain significance (1 of 4 stars; one submission).

Conditions:
COG5-congenital disorder of glycosylation. Also called: CDG IIi; CONGENITAL DISORDER OF GLYCOSYLATION, TYPE IIi; COG5-CDG. Identifiers: Orphanet 263487, MedGen C3150876, MONDO:0013325, OMIM 613612.

Submission:

Labcorp Genetics (formerly Invitae), Labcorp
Classification: Uncertain significance for COG5-congenital disorder of glycosylation. Last evaluated: 2022-05-21. Review status: criteria provided, single submitter. Criteria: Invitae Variant Classification Sherloc (09022015). Collection method: clinical testing. Allele origin: germline.
Comment: In summary, the available evidence is currently insufficient to determine the role of this variant in disease. Therefore, it has been classified as a Variant of Uncertain Significance. Algorithms developed to predict the effect of missense changes on protein structure and function output the following: SIFT: "Deleterious"; PolyPhen-2: "Benign"; Align-GVGD: "Class C0". The alanine amino acid residue is found in multiple mammalian species, which suggests that this missense change does not adversely affect protein function. This variant has not been reported in the literature in individuals affected with COG5-related conditions. This variant is not present in population databases (gnomAD no frequency). This sequence change replaces valine, which is neutral and non-polar, with alanine, which is neutral and non-polar, at codon 41 of the COG5 protein (p.Val41Ala).

NM_006348.5(COG5):c.29T>C (p.Val10Ala)

Gene: COG5 (component of oligomeric golgi complex 5; minus strand). Cytogenetic location: 7q22.3.
Variant type: single nucleotide variant.
Coding change: c.29T>C on transcript NM_006348.5 (MANE Select); coding-DNA position 29, T replaced by C.
Protein change: p.Val10Ala; replaces valine 10 with alanine.
Molecular consequence: missense variant.
Genome position (GRCh38, 1-based): chr7:107,563,868, A>G on the plus strand (T>C on the coding strand, the complement: COG5 is on the minus strand). VCF-style: chr7-107563868-A-G. GRCh37 (hg19) VCF-style: chr7-107204313-A-G.
Other names: c.29T>C, p.Val10Ala (NM_001161520.2, NM_001379511.1, NM_001379512.1 and 5 more transcripts); short protein forms V10A.
Identifiers: ClinVar variation 2082326 (VCV002082326.4), dbSNP rs775492822, ClinGen allele CA368826371.
Genomic context (GRCh38, chr7:107,563,868, plus strand): 5'-TGCAGAAGTTCCCGGACTGTAGCTGCAGCCGCTCCAGAGCCTCGAGCTCCGAGGCCAGCT[A>G]CAGCGACGCTGCCGCCGCCACCTTCCATGTTGGCAGGTGCCGGGTTGATGTCGTCAGCAG-3'
Protein context (NP_006339.4, residues 1-20): MEGGGGSVA[Val10Ala]AGLGARGSGA